The following is an entry in ClinVar:

NM_000218.3(KCNQ1):c.1393+27338G>A

Genes: KCNQ1 (potassium voltage-gated channel subfamily Q member 1; plus strand), KCNQ1OT1 (KCNQ1 opposite strand/antisense transcript 1; minus strand). Cytogenetic location: 11p15.5.
Variant type: single nucleotide variant.
Coding change: c.1393+27338G>A on transcript NM_000218.3 (MANE Select); 27338 bases into the intron after coding-DNA position 1393, G replaced by A.
Molecular consequence: intron variant.
Genome position (GRCh38, 1-based): chr11:2,616,192, G>A. VCF-style: chr11-2616192-G-A. GRCh37 (hg19) VCF-style: chr11-2637422-G-A.
Other names: c.1297+27338G>A (NM_001406836.1); c.853+27338G>A (NM_001406838.1); c.1012+27338G>A (NM_181798.2); c.1123+27338G>A (NM_001406837.1).
Identifiers: ClinVar variation 1879159 (VCV001879159.29), dbSNP rs560473044, ClinGen allele CA216359859.

ClinVar aggregate classification (germline): Benign (1 of 4 stars; one submission).

Allele frequency attached by ClinVar (database versions not stated): TOPMed 0.00092; 1000 Genomes Project 0.00100; 1000 Genomes Project 30x 0.00141.
gnomAD v4.1: 137 of 395,322 alleles (0.035%); highest among the groups gnomAD compares: African/African-American, 0.25%; 2 homozygotes.

Submission:

CeGaT Center for Human Genetics Tuebingen
Classification: Benign. Last evaluated: 2022-10-01. Review status: criteria provided, single submitter. Criteria: CeGaT Center For Human Genetics Tuebingen Variant Classification Criteria Version 2. Collection method: clinical testing. Allele origin: germline. Affected: yes. Observed: 1 variant allele.
Comment: KCNQ1OT1: BS1, BS2